The following is an entry in ClinVar:

ClinVar aggregate classification (germline): Benign (1 of 4 stars; one submission).

Conditions:
Leigh syndrome (NULS). Also called: Leigh's necrotizing encephalopathy; Leigh's disease; Leigh Syndrome (mtDNA deletion); Leigh Disease; Subacute necrotizing encephalopathy; Necrotizing encephalopathy infantile subacute of Leigh. Identifiers: Orphanet 506, MedGen C2931891, MONDO:0009723, OMIM 256000.

Submission:

Wong Mito Lab, Molecular and Human Genetics, Baylor College of Medicine
Classification: Benign for Leigh syndrome. Last evaluated: 2019-10-17. Review status: criteria provided, single submitter. Criteria: Modified ACMG Guidelines (Unpublished). Collection method: clinical testing. Allele origin: germline.
Comment: The NC_012920.1:m.12952G>A (YP_003024036.1:p.Ala206Thr) variant in MTND5 gene is interpretated to be a Benign variant based on the modified ACMG guidelines (unpublished). This variant meets the following evidence codes: BS1, BS2, BP4

NC_012920.1(MT-ND5):m.12952G>A

Gene: MT-ND5 (mitochondrially encoded NADH dehydrogenase 5; plus strand).
Variant type: single nucleotide variant.
Genome position: chrM-12952-G-A.
Identifiers: ClinVar variation 693506 (VCV000693506.1), dbSNP rs1603223978, ClinGen allele CA414815650.